The following is an entry in ClinVar:

NM_001395413.1(POR):c.285C>T (p.Ala95=)

Gene: POR (cytochrome p450 oxidoreductase; plus strand). Cytogenetic location: 7q11.23.
Variant type: single nucleotide variant.
Coding change: c.285C>T on transcript NM_001395413.1 (MANE Select); coding-DNA position 285, C replaced by T.
Protein change: p.Ala95=; no amino-acid change (alanine 95 retained).
Molecular consequence: synonymous variant.
Genome position (GRCh38, 1-based): chr7:75,979,507, C>T. VCF-style: chr7-75979507-C-T. GRCh37 (hg19) VCF-style: chr7-75608825-C-T.
Other names: c.294C>T (NM_000941.2); c.285C>T, p.Ala95= (NM_001367562.3, NM_001382657.2, NM_001382658.3 and 2 more transcripts); c.339C>T, p.Ala113= (NM_001382655.3).
Identifiers: ClinVar variation 1565886 (VCV001565886.11), dbSNP rs1554557307, ClinGen allele CA367747410.

ClinVar aggregate classification (germline): Likely benign. Review status: criteria provided, multiple submitters, no conflicts (2 of 4 stars). 3 submissions from 3 submitters: Likely benign (2). 1 of the submissions does not count toward it. Last evaluated 2024-05-06.

Conditions:
POR-related disorder. Also called: POR-related condition.
Congenital adrenal hyperplasia due to cytochrome P450 oxidoreductase deficiency. Also called: DISORDERED STEROIDOGENESIS DUE TO POR DEFICIENCY. Identifiers: Orphanet 95699, MedGen C1860042, MONDO:0013310, OMIM 613571.

Allele frequency attached by ClinVar (database versions not stated): gnomAD exomes below 0.00001.
gnomAD v4.1: 6 of 1,613,518 alleles (0.00037%); highest among the groups gnomAD compares: Admixed American, 0.01%; no homozygotes.

Submissions (3):

Labcorp Genetics (formerly Invitae), Labcorp
Classification: Likely benign for Congenital adrenal hyperplasia due to cytochrome P450 oxidoreductase deficiency. Last evaluated: 2024-05-06. Review status: criteria provided, single submitter. Criteria: Invitae Variant Classification Sherloc (09022015). Collection method: clinical testing. Allele origin: germline.

Breakthrough Genomics
Classification: Likely benign. Review status: criteria provided, single submitter. Criteria: ACMG Guidelines, 2015. Collection method: not provided. Allele origin: germline. Inheritance: Autosomal recessive inheritance. Affected: yes.

PreventionGenetics, part of Exact Sciences
Classification: Likely benign for POR-related condition. Last evaluated: 2019-05-03. Review status: no assertion criteria provided. Collection method: clinical testing. Allele origin: germline. Not counted in ClinVar's aggregate classification.
Comment: This variant is classified as likely benign based on ACMG/AMP sequence variant interpretation guidelines (Richards et al. 2015 PMID: 25741868, with internal and published modifications).